The following is an entry in ClinVar:

NM_002519.3(NPAT):c.4156A>T (p.Ser1386Cys)

Gene: NPAT (nuclear protein, coactivator of histone transcription; minus strand). Cytogenetic location: 11q22.3.
Variant type: single nucleotide variant.
Coding change: c.4156A>T on transcript NM_002519.3 (MANE Select); coding-DNA position 4156, A replaced by T.
Protein change: p.Ser1386Cys; replaces serine 1386 with cysteine.
Molecular consequence: missense variant.
Genome position (GRCh38, 1-based): chr11:108,160,930, T>A on the plus strand (A>T on the coding strand, the complement: NPAT is on the minus strand). VCF-style: chr11-108160930-T-A. GRCh37 (hg19) VCF-style: chr11-108031657-T-A.
Other names: c.4177A>T, p.Ser1393Cys (NM_001321307.1); short protein forms S1393C, S1386C.
Identifiers: ClinVar variation 1738293 (VCV001738293.2), dbSNP rs180875716, ClinGen allele CA6263469.

ClinVar aggregate classification (germline): Uncertain significance (1 of 4 stars; one submission).

Allele frequency attached by ClinVar (database versions not stated): gnomAD 0.00001; TOPMed 0.00002; ExAC 0.00004; 1000 Genomes Project 30x 0.00016; 1000 Genomes Project 0.00020.
gnomAD v4.1: 7 of 1,614,192 alleles (0.00043%); highest among the groups gnomAD compares: East Asian, 0.016%; no homozygotes.

Submission:

Ambry Genetics
Classification: Uncertain significance. Last evaluated: 2024-01-21. Review status: criteria provided, single submitter. Criteria: Ambry Variant Classification Scheme 2023. Collection method: clinical testing. Allele origin: germline.
Comment: The p.S1386C variant (also known as c.4156A>T), located in coding exon 17 of the NPAT gene, results from an A to T substitution at nucleotide position 4156. The serine at codon 1386 is replaced by cysteine, an amino acid with dissimilar properties. This amino acid position is conserved. In addition, this alteration is predicted to be tolerated by in silico analysis. Since supporting evidence is limited at this time, the clinical significance of this alteration remains unclear.